The following is an entry in ClinVar:

NM_007255.3(B4GALT7):c.448dup (p.Leu150fs)

Gene: B4GALT7 (beta-1,4-galactosyltransferase 7; plus strand). Cytogenetic location: 5q35.3.
Variant type: Duplication.
Coding change: c.448dup on transcript NM_007255.3 (MANE Select); coding-DNA position 448, one base duplicated (C; older notation c.448dupC).
Protein change: p.Leu150fs; shifts the reading frame from leucine 150.
Molecular consequence: frameshift variant.
Genome position (GRCh38, 1-based): chr5:177,607,336, C duplicated; the last of 2 consecutive C bases (chr5:177,607,335-177,607,336); duplicating either gives the same sequence. VCF-style (leftmost placement, unchanged base first): chr5-177607334-T-TC. GRCh37 (hg19) VCF-style: chr5-177034335-T-TC.
Other names: short protein forms L150fs.
Identifiers: ClinVar variation 4810085 (VCV004810085.1).

ClinVar aggregate classification (germline): Pathogenic (1 of 4 stars; one submission).

Conditions:
Spondylodysplastic Ehlers-Danlos syndrome. Identifiers: Orphanet 536471, Orphanet 75496, MedGen C5680154, MONDO:0007526.

Submission:

Labcorp Genetics (formerly Invitae), Labcorp
Classification: Pathogenic for Spondylodysplastic Ehlers-Danlos syndrome. Last evaluated: 2025-09-15. Review status: criteria provided, single submitter. Criteria: Invitae Variant Classification Sherloc (09022015). Collection method: clinical testing. Allele origin: germline.
Comment: This sequence change creates a premature translational stop signal (p.Leu150Profs*16) in the B4GALT7 gene. It is expected to result in an absent or disrupted protein product. Loss-of-function variants in B4GALT7 are known to be pathogenic (PMID: 26940150, 31614862, 38431799). This variant is not present in population databases (gnomAD no frequency). This variant has not been reported in the literature in individuals affected with B4GALT7-related conditions. For these reasons, this variant has been classified as Pathogenic.

Literature cited by the submitters: PubMed 26940150; PubMed 31614862; PubMed 38431799.